The following is an entry in ClinVar:

NM_000257.4(MYH7):c.2286+3G>A

Gene: MYH7 (myosin heavy chain 7; minus strand). Cytogenetic location: 14q11.2.
Variant type: single nucleotide variant.
Coding change: c.2286+3G>A on transcript NM_000257.4 (MANE Select); 3 bases into the intron after coding-DNA position 2286, G replaced by A.
Molecular consequence: intron variant.
Genome position (GRCh38, 1-based): chr14:23,425,692, C>T on the plus strand (G>A on the coding strand, the complement: MYH7 is on the minus strand). VCF-style: chr14-23425692-C-T. GRCh37 (hg19) VCF-style: chr14-23894901-C-T.
Identifiers: ClinVar variation 1906381 (VCV001906381.8), dbSNP rs1351249554, ClinGen allele CA613317744.

ClinVar aggregate classification (germline): Uncertain significance. Review status: criteria provided, multiple submitters, no conflicts (2 of 4 stars). 4 submissions from 4 submitters: Uncertain significance (4). Last evaluated 2025-07-22.

Conditions:
Cardiomyopathy (CMYO). Also called: Cardiomyopathies. Identifiers: Orphanet 167848, MedGen C0878544, MONDO:0004994, HP:0001638. Inheritance: Various modes of inheritance.
Hypertrophic cardiomyopathy. Also called: HYPERTROPHIC MYOCARDIOPATHY. Identifiers: Orphanet 217569, MedGen C0007194, MeSH D002312, MONDO:0005045, HP:0001639.
Cardiovascular phenotype. Identifiers: MedGen CN230736.

Allele frequency attached by ClinVar (database versions not stated): gnomAD 0.00001; gnomAD exomes below 0.00001; TOPMed 0.00001.
gnomAD v4.1: 4 of 1,613,884 alleles (0.00025%); highest among the groups gnomAD compares: African/African-American, 0.0013%; no homozygotes.

Submissions (4):

Color Diagnostics, LLC DBA Color Health
Classification: Uncertain significance for Cardiomyopathy. Last evaluated: 2025-07-22. Review status: criteria provided, single submitter. Criteria: ACMG Guidelines, 2015. Collection method: clinical testing. Allele origin: germline.
Comment: This variant causes a G to A nucleotide substitution at the +3 position of intron 20 of the MYH7 gene. To our knowledge, functional studies have not been reported for this variant. This variant has not been reported in individuals affected with MYH7-related disorders in the literature. This variant has been identified in 1/251174 chromosomes in the general population by the Genome Aggregation Database (gnomAD). The available evidence is insufficient to determine the role of this variant in disease conclusively. Therefore, this variant is classified as a Variant of Uncertain Significance.

All of Us Research Program, National Institutes of Health
Classification: Uncertain significance for Cardiomyopathy. Last evaluated: 2023-04-28. Review status: criteria provided, single submitter. Criteria: ACMG Guidelines, 2015. Collection method: clinical testing. Allele origin: germline. Inheritance: Autosomal dominant inheritance. Observed: 1 variant allele, 1 heterozygote.
Comment: This variant causes a G to A nucleotide substitution at the +3 position of intron 20 of the MYH7 gene. To our knowledge, functional studies have not been reported for this variant. This variant has not been reported in individuals affected with MYH7-related disorders in the literature. This variant has been identified in 1/251174 chromosomes in the general population by the Genome Aggregation Database (gnomAD). The available evidence is insufficient to determine the role of this variant in disease conclusively. Therefore, this variant is classified as a Variant of Uncertain Significance.

This study involves interpretation of variants in research participants for the purpose of population health screening. Participant phenotype was not available at the time of variant classification. Additional details can be found in publication PMID: 35346344, PMCID: PMC8962531

Ambry Genetics
Classification: Uncertain significance for Cardiovascular phenotype. Last evaluated: 2023-03-24. Review status: criteria provided, single submitter. Criteria: Ambry Variant Classification Scheme 2023. Collection method: clinical testing. Allele origin: germline.
Comment: The c.2286+3G>A intronic variant results from a G to A substitution 3 nucleotides after coding exon 18 in the MYH7 gene. This nucleotide position is well conserved in available vertebrate species. In silico splice site analysis predicts that this alteration will not have any significant effect on splicing. Since supporting evidence is limited at this time, the clinical significance of this alteration remains unclear.

Labcorp Genetics (formerly Invitae), Labcorp
Classification: Uncertain significance for Hypertrophic cardiomyopathy. Last evaluated: 2022-07-08. Review status: criteria provided, single submitter. Criteria: Invitae Variant Classification Sherloc (09022015). Collection method: clinical testing. Allele origin: germline.
Comment: This variant is present in population databases (no rsID available, gnomAD no frequency). This variant has not been reported in the literature in individuals affected with MYH7-related conditions. Variants that disrupt the consensus splice site are a relatively common cause of aberrant splicing (PMID: 17576681, 9536098). Algorithms developed to predict the effect of sequence changes on RNA splicing suggest that this variant is not likely to affect RNA splicing. In summary, the available evidence is currently insufficient to determine the role of this variant in disease. Therefore, it has been classified as a Variant of Uncertain Significance. This sequence change falls in intron 20 of the MYH7 gene. It does not directly change the encoded amino acid sequence of the MYH7 protein. It affects a nucleotide within the consensus splice site.

Literature cited by the submitters: PubMed 17576681 (cited by Labcorp Genetics (formerly Invitae), Labcorp); PubMed 9536098 (cited by Labcorp Genetics (formerly Invitae), Labcorp).